The following is an entry in ClinVar:

ClinVar aggregate classification (germline): Benign (0 of 4 stars; one submission).

Conditions:
MAFA-related disorder. Also called: MAFA-related condition.

Allele frequency attached by ClinVar (database versions not stated): 1000 Genomes Project 30x 0.04247; 1000 Genomes Project 0.04313; TOPMed 0.04429; gnomAD 0.04582; ExAC 0.07668.
gnomAD v4.1: 92,599 of 1,399,650 alleles (6.6%); highest among the groups gnomAD compares: Non-Finnish European, 7.4%; 3,387 homozygotes.

Submission:

PreventionGenetics, part of Exact Sciences
Classification: Benign for MAFA-related condition. Last evaluated: 2019-12-09. Review status: no assertion criteria provided. Collection method: clinical testing. Allele origin: germline.
Comment: This variant is classified as benign based on ACMG/AMP sequence variant interpretation guidelines (Richards et al. 2015 PMID: 25741868, with internal and published modifications).

NM_201589.4(MAFA):c.1039G>T (p.Gly347Cys)

Gene: MAFA (MAF bZIP transcription factor A; minus strand). Cytogenetic location: 8q24.3.
Variant type: single nucleotide variant.
Coding change: c.1039G>T on transcript NM_201589.4 (MANE Select); coding-DNA position 1039, G replaced by T.
Protein change: p.Gly347Cys; replaces glycine 347 with cysteine.
Molecular consequence: missense variant.
Genome position (GRCh38, 1-based): chr8:143,429,368, C>A on the plus strand (G>T on the coding strand, the complement: MAFA is on the minus strand). VCF-style: chr8-143429368-C-A. GRCh37 (hg19) VCF-style: chr8-144511538-C-A.
Other names: short protein forms G347C.
Identifiers: ClinVar variation 3055993 (VCV003055993.2), dbSNP rs62521874, ClinGen allele CA4909847.